The following is an entry in ClinVar:

NC_000009.11:g.(?_130605351)_(130616761_?)del

Gene: ENG (endoglin; minus strand). Cytogenetic location: 9q34.11.
Variant type: Deletion.
Identifiers: ClinVar variation 1076878 (VCV001076878.1).

ClinVar aggregate classification (germline): Pathogenic (1 of 4 stars; one submission).

Conditions:
Hereditary hemorrhagic telangiectasia (HHT). Also called: Osler hemorrhagic telangiectasia syndrome; ORW DISEASE; Osler Weber Rendu syndrome; OSLER-RENDU-WEBER DISEASE. Identifiers: Orphanet 774, MedGen C0039445, MONDO:0019180. Disease mechanism: loss of function.

Submission:

Labcorp Genetics (formerly Invitae), Labcorp
Classification: Pathogenic for Hereditary hemorrhagic telangiectasia. Last evaluated: 2020-10-10. Review status: criteria provided, single submitter. Criteria: Invitae Variant Classification Sherloc (09022015). Collection method: clinical testing. Allele origin: germline.
Comment: This variant is a gross deletion of the genomic region encompassing exon(s) 1-2 of the ENG gene, which includes the initiator codon. The 5' end of this event is unknown as it extends beyond the assayed region for this gene and therefore may encompass additional genes. The 3' boundary is likely confined to intron 2 of the ENG gene. This is expected to result in an absent or disrupted protein product. This variant has been observed in individual(s) with hereditary hemorrhagic telangiectasia (PMID: 20414677). Loss-of-function variants in ENG are known to be pathogenic (PMID: 15879500). For these reasons, this variant has been classified as Pathogenic.

Literature cited by the submitters: PubMed 20414677; PubMed 15879500.